The following is an entry in ClinVar:

NM_003742.4(ABCB11):c.1846C>G (p.Arg616Gly)

Gene: ABCB11 (ATP binding cassette subfamily B member 11; minus strand). Cytogenetic location: 2q31.1.
Variant type: single nucleotide variant.
Coding change: c.1846C>G on transcript NM_003742.4 (MANE Select); coding-DNA position 1846, C replaced by G.
Protein change: p.Arg616Gly; replaces arginine 616 with glycine.
Molecular consequence: missense variant.
Genome position (GRCh38, 1-based): chr2:168,969,515, G>C on the plus strand (C>G on the coding strand, the complement: ABCB11 is on the minus strand). VCF-style: chr2-168969515-G-C. GRCh37 (hg19) VCF-style: chr2-169826025-G-C.
Other names: short protein forms R616G.
Identifiers: ClinVar variation 4846160 (VCV004846160.1).

ClinVar aggregate classification (germline): Uncertain significance (1 of 4 stars; one submission).

Conditions:
Familial intrahepatic cholestasis. Identifiers: Orphanet 284385, MedGen CN296401, MONDO:0017290.

Submission:

Genomenon, Inc
Classification: Uncertain significance for Familial intrahepatic cholestasis. Last evaluated: 2026-04-14. Review status: criteria provided, single submitter. Criteria: Genomenon Sequence Variant Interpretation Standards - Updated. Collection method: curation. Allele origin: germline. Affected: no.
Comment: ABCB11 p.Arg616Gly (c.1846C>G) is a missense variant that changes the amino acid at residue 616 from Arginine to Glycine. This variant has been reported in the published literature (PMID:22795478;16763017;19571440). It is absent or not present at a significant frequency in gnomAD. In silico models predict that this variant is possibly or probably damaging. In conclusion, we classify ABCB11 p.Arg616Gly (c.1846C>G) as a variant of uncertain significance.

Literature cited by the submitters: PubMed 22795478; PubMed 16763017; PubMed 19571440.